The following is an entry in ClinVar:

ClinVar aggregate classification (germline): Pathogenic (1 of 4 stars; one submission).

Conditions:
Developmental and epileptic encephalopathy, 12 (DEE12). Identifiers: MedGen C3150988, MONDO:0013389, OMIM 613722.

Submission:

Labcorp Genetics (formerly Invitae), Labcorp
Classification: Pathogenic for Developmental and epileptic encephalopathy, 12. Last evaluated: 2022-02-09. Review status: criteria provided, single submitter. Criteria: Invitae Variant Classification Sherloc (09022015). Collection method: clinical testing. Allele origin: germline.
Comment: This sequence change affects a donor splice site in intron 16 of the PNKP gene. While this variant is not anticipated to result in nonsense mediated decay, it likely alters RNA splicing and results in a disrupted protein product. This variant is not present in population databases (gnomAD no frequency). This variant has not been reported in the literature in individuals affected with PNKP-related conditions. Variants that disrupt the consensus splice site are a relatively common cause of aberrant splicing (PMID: 17576681, 9536098). Algorithms developed to predict the effect of sequence changes on RNA splicing suggest that this variant may disrupt the consensus splice site. This variant disrupts a region of the PNKP protein in which other variant(s) (p.Gln517*) have been determined to be pathogenic (PMID: 30039206). This suggests that this is a clinically significant region of the protein, and that variants that disrupt it are likely to be disease-causing. For these reasons, this variant has been classified as Pathogenic.

Literature cited by the submitters: PubMed 17576681; PubMed 9536098; PubMed 30039206.

NM_007254.4(PNKP):c.1448+2T>A

Gene: PNKP (polynucleotide kinase 3'-phosphatase; minus strand). Cytogenetic location: 19q13.33.
Variant type: single nucleotide variant.
Coding change: c.1448+2T>A on transcript NM_007254.4 (MANE Select); the canonical splice donor site of the intron after coding-DNA position 1448, T replaced by A.
Molecular consequence: splice donor variant.
Genome position (GRCh38, 1-based): chr19:49,861,447, A>T on the plus strand (T>A on the coding strand, the complement: PNKP is on the minus strand). VCF-style: chr19-49861447-A-T. GRCh37 (hg19) VCF-style: chr19-50364704-A-T.
Identifiers: ClinVar variation 1452109 (VCV001452109.6), dbSNP rs1600414549, ClinGen allele CA406932684.